The following is an entry in ClinVar:

NM_002880.4(RAF1):c.1113T>C (p.Asp371=)

Gene: RAF1 (Raf-1 proto-oncogene, serine/threonine kinase; minus strand). Cytogenetic location: 3p25.2.
Variant type: single nucleotide variant.
Coding change: c.1113T>C on transcript NM_002880.4 (MANE Select); coding-DNA position 1113, T replaced by C.
Protein change: p.Asp371=; no amino-acid change (aspartic acid 371 retained).
Molecular consequence: synonymous variant. On other transcripts: non-coding transcript variant (3).
Genome position (GRCh38, 1-based): chr3:12,591,788, A>G on the plus strand (T>C on the coding strand, the complement: RAF1 is on the minus strand). VCF-style: chr3-12591788-A-G. GRCh37 (hg19) VCF-style: chr3-12633287-A-G.
Other names: c.1113T>C (NM_002880.3); c.1173T>C, p.Asp391= (NM_001354689.3); c.1113T>C, p.Asp371= (NM_001354690.3); c.870T>C, p.Asp290= (NM_001354691.3, NM_001354692.3); c.1014T>C, p.Asp338= (NM_001354693.3); c.930T>C, p.Asp310= (NM_001354694.3); c.771T>C, p.Asp257= (NM_001354695.3).
Identifiers: ClinVar variation 180718 (VCV000180718.28), dbSNP rs146668293, ClinGen allele CA235339.
Genomic context (GRCh38, chr3:12,591,788, plus strand): 5'-CCTGAAGGCCTGGAATTGCTCTGGGGTTGGGTCGACAACCTTTAGGATCTTTACTGCAAC[A>G]TCTCCTGCAAAATTAGTTGGCAGTCAGTGCAATCAGTTGAATGATCTCAGTCTTTCAAAT-3'
Protein context (NP_002871.1, residues 361-381): GTVYKGKWHG[Asp371=]VAVKILKVVD

ClinVar aggregate classification (germline): Likely benign. Review status: reviewed by expert panel (3 of 4 stars). 9 submissions from 9 submitters: Likely benign (1). 8 of the submissions do not count toward it. Last evaluated 2020-03-09.

Conditions:
RAF1-related disorder. Also called: RAF1-related condition; RAF1-related disorders.
Cardiovascular phenotype. Identifiers: MedGen CN230736.
Dilated cardiomyopathy 1NN. Identifiers: Orphanet 154, MedGen C4014656, MONDO:0014396, OMIM 615916.
LEOPARD syndrome 2 (LPRD2). Also called: RAF1-Related LEOPARD Syndrome. Identifiers: Orphanet 500, MedGen C1969056, MONDO:0012691, OMIM 611554.
Noonan syndrome 5 (NS5). Also called: RAF1-Related Noonan Syndrome. Identifiers: Orphanet 648, MedGen C1969057, MONDO:0012690, OMIM 611553. Disease mechanism: gain of function.
RASopathy. Also called: rasopathies; Noonan spectrum disorder. Identifiers: Orphanet 536391, MedGen C5555857, MONDO:0021060.

Allele frequency attached by ClinVar (database versions not stated): gnomAD 0.00002; TOPMed 0.00002; gnomAD exomes 0.00003; ExAC 0.00004; ESP Exome Variant Server 0.00015.
gnomAD v4.1: 40 of 1,613,372 alleles (0.0025%); highest among the groups gnomAD compares: Non-Finnish European, 0.0031%; no homozygotes.

Submissions (9):

ClinGen RASopathy Variant Curation Expert Panel
Classification: Likely benign for RASopathy. Last evaluated: 2020-03-09. Review status: reviewed by expert panel. Criteria: ClinGen RASopathy ACMG Specifications v1. Collection method: curation. Allele origin: germline. Inheritance: Autosomal dominant inheritance.
Comment: The c.1113T>C (p.Asp371=) is present in 7/1113684 European alleles (MAF 2.88e-05, 95% CI) gnomAD v2.1.1. Sixteen apparently unaffected parental samples involved in whole exome testing were observed with this variant supporting that this variant is likely benign; however, this evidence does not meet current scoring criteria for BS2 at this time (BS2 not met; SCV000515669.4). This variant is a synonymous (silent) variant at a nucleotide that is not highly conserved and is not predicted to impact splicing (BP7). Computational prediction tools and conservation analysis suggest that the p.Asp371= variant does not impact the protein (BP4). In summary, the clinical significance of the p.Asp371= variant is likely benign. RASopathy-specific ACMG/AMP criteria applied (PMID:29493581): BP7, BP4.

CeGaT Center for Human Genetics Tuebingen
Classification: Likely benign. Last evaluated: 2026-02-01. Review status: criteria provided, single submitter. Criteria: CeGaT Center For Human Genetics Tuebingen Variant Classification Criteria Version 2. Collection method: clinical testing. Allele origin: germline. Affected: yes. Observed: 1 variant allele. Not counted in ClinVar's aggregate classification.
Comment: RAF1: BP4, BP7

Labcorp Genetics (formerly Invitae), Labcorp
Classification: Likely benign for RASopathy. Last evaluated: 2025-11-22. Review status: criteria provided, single submitter. Criteria: Invitae Variant Classification Sherloc (09022015). Collection method: clinical testing. Allele origin: germline. Not counted in ClinVar's aggregate classification.

PreventionGenetics, part of Exact Sciences
Classification: Likely benign for RAF1-related condition. Last evaluated: 2025-08-18. Review status: criteria provided, single submitter. Criteria: ACMG Guidelines, 2015. Collection method: clinical testing. Allele origin: germline. Not counted in ClinVar's aggregate classification.
Comment: This variant is classified as likely benign based on ACMG/AMP sequence variant interpretation guidelines (Richards et al. 2015 PMID: 25741868, with internal and published modifications).

Blueprint Genetics
Classification: Likely benign. Last evaluated: 2021-09-15. Review status: criteria provided, single submitter. Criteria: ACMG Guidelines, 2015. Collection method: clinical testing. Allele origin: germline. Not counted in ClinVar's aggregate classification.

Fulgent Genetics
Classification: Likely benign for Noonan syndrome 5; LEOPARD syndrome 2; Dilated cardiomyopathy 1NN. Last evaluated: 2021-07-26. Review status: criteria provided, single submitter. Criteria: ACMG Guidelines, 2015. Collection method: clinical testing. Allele origin: unknown. Not counted in ClinVar's aggregate classification.

GeneDx
Classification: Likely benign. Last evaluated: 2019-07-10. Review status: criteria provided, single submitter. Criteria: GeneDx Variant Classification Process June 2021. Collection method: clinical testing. Allele origin: germline. Affected: yes. Not counted in ClinVar's aggregate classification.

Ambry Genetics
Classification: Likely benign for Cardiovascular phenotype. Last evaluated: 2017-10-24. Review status: criteria provided, single submitter. Criteria: Ambry Variant Classification Scheme 2023. Collection method: clinical testing. Allele origin: germline. Not counted in ClinVar's aggregate classification.

Greenwood Genetic Center Diagnostic Laboratories, Greenwood Genetic Center
Classification: Uncertain significance. Last evaluated: 2015-01-15. Review status: no assertion criteria provided. Collection method: clinical testing. Allele origin: germline. Not counted in ClinVar's aggregate classification.